The following is an entry in ClinVar:

ClinVar aggregate classification (germline): Pathogenic. Review status: reviewed by expert panel (3 of 4 stars). 2 submissions from 2 submitters: Pathogenic (1). 1 of the submissions does not count toward it. Last evaluated 2016-10-18.

Conditions:
Breast-ovarian cancer, familial, susceptibility to, 1 (BROVCA1). Also called: BRCA1 Hereditary Breast and Ovarian Cancer; OVARIAN CANCER, SUSCEPTIBILITY TO. Identifiers: Orphanet 145, MedGen C2676676, MONDO:0011450, OMIM 604370. Disease mechanism: loss of function.

Submissions (2):

Evidence-based Network for the Interpretation of Germline Mutant Alleles (ENIGMA)
Classification: Pathogenic for Breast-ovarian cancer, familial, susceptibility to, 1. Last evaluated: 2016-10-18. Review status: reviewed by expert panel. Criteria: ENIGMA BRCA1/2 Classification Criteria (2015). Collection method: curation. Allele origin: germline.
Comment: Variant allele predicted to encode a truncated non-functional protein.

Consortium of Investigators of Modifiers of BRCA1/2 (CIMBA), c/o University of Cambridge
Classification: Pathogenic for Breast-ovarian cancer, familial, susceptibility to, 1. Last evaluated: 2015-10-02. Review status: criteria provided, single submitter. Criteria: CIMBA Mutation Classification guidelines May 2016. Collection method: clinical testing. Allele origin: germline. Not counted in ClinVar's aggregate classification.

NM_007294.4(BRCA1):c.1908_1911del (p.Cys636fs)

Gene: BRCA1 (BRCA1 DNA repair associated; minus strand). Cytogenetic location: 17q21.31.
Variant type: Deletion.
Coding change: c.1908_1911del on transcript NM_007294.4 (MANE Select); coding-DNA positions 1908 to 1911, 4 bases deleted (TACT; older notation c.1908_1911delTACT).
Protein change: p.Cys636fs; shifts the reading frame from cysteine 636.
Molecular consequence: frameshift variant. On other transcripts: intron variant (137).
Genome position (GRCh38, 1-based): chr17:43,093,620-43,093,623, AGTA deleted on the plus strand (TACT on the coding strand, the reverse complement: BRCA1 is on the minus strand). VCF-style (leftmost placement, unchanged base first): chr17-43093619-CAGTA-C. GRCh37 (hg19) VCF-style: chr17-41245636-CAGTA-C.
Other names: 2027del4; c.1695_1698del, p.Cys565fs (NM_001407571.1, NM_001407853.1, NM_001407894.1 and 9 more transcripts); c.1908_1911del, p.Cys636fs (NM_001407581.1, NM_001407582.1, NM_001407583.1 and 30 more transcripts); c.1905_1908del, p.Cys635fs (NM_001407587.1, NM_001407590.1, NM_001407591.1 and 22 more transcripts); c.1899_1902del, p.Cys633fs (NM_001407646.1, NM_001407647.1); c.1785_1788del, p.Cys595fs (NM_001407648.1, NM_001407664.1, NM_001407665.1 and 19 more transcripts); c.1782_1785del, p.Cys594fs (NM_001407649.1, NM_001407670.1, NM_001407671.1 and 11 more transcripts); c.1830_1833del, p.Cys610fs (NM_001407653.1, NM_001407654.1, NM_001407655.1 and 4 more transcripts); and 42 more; short protein forms C589fs, C636fs, C525fs, C569fs, C594fs, C609fs, C633fs, C635fs.
Identifiers: ClinVar variation 266200 (VCV000266200.6), dbSNP rs886039980, ClinGen allele CA10589910.